The following is an entry in ClinVar:

NM_182493.3(MYLK3):c.434G>T (p.Arg145Leu)

Gene: MYLK3 (myosin light chain kinase 3; minus strand). Cytogenetic location: 16q11.2.
Variant type: single nucleotide variant.
Coding change: c.434G>T on transcript NM_182493.3 (MANE Select); coding-DNA position 434, G replaced by T.
Protein change: p.Arg145Leu; replaces arginine 145 with leucine.
Molecular consequence: missense variant. On other transcripts: intron variant (1).
Genome position (GRCh38, 1-based): chr16:46,747,760, C>A on the plus strand (G>T on the coding strand, the complement: MYLK3 is on the minus strand). VCF-style: chr16-46747760-C-A. GRCh37 (hg19) VCF-style: chr16-46781672-C-A.
Other names: c.-113-7613G>T (NM_001308301.1); short protein forms R145L.
Identifiers: ClinVar variation 2989805 (VCV002989805.3), dbSNP rs748998633, ClinGen allele CA8038256.

ClinVar aggregate classification (germline): Uncertain significance (1 of 4 stars; one submission).

gnomAD v4.1: 11 of 1,614,160 alleles (0.00068%); highest among the groups gnomAD compares: South Asian, 0.012%; 1 homozygote.

Submission:

Labcorp Genetics (formerly Invitae), Labcorp
Classification: Uncertain significance. Last evaluated: 2023-12-22. Review status: criteria provided, single submitter. Criteria: Invitae Variant Classification Sherloc (09022015). Collection method: clinical testing. Allele origin: germline.
Comment: This sequence change replaces arginine, which is basic and polar, with leucine, which is neutral and non-polar, at codon 145 of the MYLK3 protein (p.Arg145Leu). This variant is present in population databases (rs748998633, gnomAD 0.003%). This variant has not been reported in the literature in individuals affected with MYLK3-related conditions. An algorithm developed to predict the effect of missense changes on protein structure and function (PolyPhen-2) suggests that this variant is likely to be tolerated. In summary, the available evidence is currently insufficient to determine the role of this variant in disease. Therefore, it has been classified as a Variant of Uncertain Significance.